The following is an entry in ClinVar:

ClinVar aggregate classification (germline): Uncertain significance. Review status: criteria provided, multiple submitters, no conflicts (2 of 4 stars). 3 submissions from 3 submitters: Uncertain significance (3). Last evaluated 2025-09-26.

Conditions:
Cardiovascular phenotype. Identifiers: MedGen CN230736.
DK1-congenital disorder of glycosylation. Also called: DK1-CDG; DOLK-congenital disorder of glycosylation; Carbohydrate deficient glycoprotein syndrome type 1m; CONGENITAL DISORDER OF GLYCOSYLATION, TYPE Im; CDG Im; DK1 DEFICIENCY. Identifiers: Orphanet 91131, MedGen C1835849, MONDO:0012556, OMIM 610768.

Allele frequency attached by ClinVar (database versions not stated): gnomAD 0.00001; gnomAD exomes 0.00001; TOPMed 0.00002.
gnomAD v4.1: 17 of 1,614,090 alleles (0.0011%); highest among the groups gnomAD compares: Non-Finnish European, 0.0014%; no homozygotes.

Submissions (3):

Labcorp Genetics (formerly Invitae), Labcorp
Classification: Uncertain significance for DK1-congenital disorder of glycosylation. Last evaluated: 2025-09-26. Review status: criteria provided, single submitter. Criteria: Invitae Variant Classification Sherloc (09022015). Collection method: clinical testing. Allele origin: germline.
Comment: This sequence change replaces alanine, which is neutral and non-polar, with proline, which is neutral and non-polar, at codon 435 of the DOLK protein (p.Ala435Pro). This variant is not present in population databases (gnomAD no frequency). This variant has not been reported in the literature in individuals affected with DOLK-related conditions. ClinVar contains an entry for this variant (Variation ID: 576735). Invitae Evidence Modeling of protein sequence and biophysical properties (such as structural, functional, and spatial information, amino acid conservation, physicochemical variation, residue mobility, and thermodynamic stability) indicates that this missense variant is not expected to disrupt DOLK protein function with a negative predictive value of 80%. In summary, the available evidence is currently insufficient to determine the role of this variant in disease. Therefore, it has been classified as a Variant of Uncertain Significance.

Ambry Genetics
Classification: Uncertain significance for Cardiovascular phenotype. Last evaluated: 2025-02-23. Review status: criteria provided, single submitter. Criteria: Ambry Variant Classification Scheme 2023. Collection method: clinical testing. Allele origin: germline.
Comment: The p.A435P variant (also known as c.1303G>C), located in coding exon 1 of the DOLK gene, results from a G to C substitution at nucleotide position 1303. The alanine at codon 435 is replaced by proline, an amino acid with highly similar properties. This amino acid position is conserved. In addition, this alteration is predicted to be tolerated by in silico analysis. Since supporting evidence is limited at this time, the clinical significance of this alteration remains unclear.

ARUP Laboratories, Molecular Genetics and Genomics, ARUP Laboratories
Classification: Uncertain significance for DK1-congenital disorder of glycosylation. Last evaluated: 2024-08-08. Review status: criteria provided, single submitter. Criteria: ARUP Molecular Germline Variant Investigation Process 2024. Collection method: clinical testing. Allele origin: germline.
Comment: The DOLK c.1303G>C; p.Ala435Pro variant (rs1306365829), to our knowledge, is not reported in the medical literature but is reported in ClinVar (Variation ID: 576735). This variant is absent from the Genome Aggregation Database (v2.1.1), indicating it is not a common polymorphism. Computational analyses predict that this variant is neutral (REVEL: 0.105). Due to limited information, the clinical significance of this variant is uncertain at this time.

NM_014908.4(DOLK):c.1303G>C (p.Ala435Pro)

Gene: DOLK (dolichol kinase; minus strand). Cytogenetic location: 9q34.11.
Variant type: single nucleotide variant.
Coding change: c.1303G>C on transcript NM_014908.4 (MANE Select); coding-DNA position 1303, G replaced by C.
Protein change: p.Ala435Pro; replaces alanine 435 with proline.
Molecular consequence: missense variant.
Genome position (GRCh38, 1-based): chr9:128,946,001, C>G on the plus strand (G>C on the coding strand, the complement: DOLK is on the minus strand). VCF-style: chr9-128946001-C-G. GRCh37 (hg19) VCF-style: chr9-131708280-C-G.
Other names: short protein forms A435P.
Identifiers: ClinVar variation 576735 (VCV000576735.11), dbSNP rs1306365829, ClinGen allele CA375117948.